The following is an entry in ClinVar:

NM_000055.4(BCHE):c.401dup (p.Asn134fs)

Gene: BCHE (butyrylcholinesterase; minus strand). Cytogenetic location: 3q26.1.
Variant type: Duplication.
Coding change: c.401dup on transcript NM_000055.4 (MANE Select); coding-DNA position 401, one base duplicated (A; older notation c.401dupA).
Protein change: p.Asn134fs; shifts the reading frame from asparagine 134.
Molecular consequence: frameshift variant. On other transcripts: non-coding transcript variant (1).
Genome position (GRCh38, 1-based): chr3:165,830,633, T duplicated on the plus strand (A on the coding strand, the reverse complement: BCHE is on the minus strand); the first of 6 consecutive T bases (chr3:165,830,633-165,830,638); duplicating any one gives the same sequence. VCF-style (leftmost placement, unchanged base first): chr3-165830632-A-AT. GRCh37 (hg19) VCF-style: chr3-165548420-A-AT.
Other names: short protein forms N134fs.
Identifiers: ClinVar variation 5006579 (VCV005006579.2).

ClinVar aggregate classification (germline): Pathogenic (1 of 4 stars; one submission).

Conditions:
Deficiency of butyrylcholinesterase (BCHED). Also called: Acholinesterasemia; Deficiency of butyrylcholine esterase; BCHE, silent 1; Butyrylcholinesterase deficiency. Identifiers: Orphanet 132, MedGen C1283400, MONDO:0015270, OMIM 617936.

Submission:

Juno Genomics, Hangzhou Juno Genomics, Inc
Classification: Pathogenic for Deficiency of butyrylcholinesterase. Review status: criteria provided, single submitter. Criteria: ACMG Guidelines, 2015. Collection method: clinical testing. Allele origin: germline.
Comment: Absent from controls (or at extremely low frequency if recessive) in Genome Aggregation Database.;Null variant in a gene where loss of function (LOF) is a known mechanism of disease.;For recessive disorders, detected in trans with a pathogenic variant.;Patient's phenotype or family history is highly specific for a disease with a single genetic etiology.